The following is an entry in ClinVar:

ClinVar aggregate classification (germline): Uncertain significance (1 of 4 stars; one submission).

Submission:

Dasa
Classification: Uncertain significance. Last evaluated: 2025-02-26. Review status: criteria provided, single submitter. Criteria: DASA Assertion Criteria. Collection method: clinical testing. Allele origin: germline.
Comment: NM_015046.7(SETX):c.4732G>T (p.Val1578Leu) is a missense variant that results in the substitution of valine with leucine. This variant is rare in population databases. Computational prediction algorithms are consistent with a benign effect. The currently available literature and clinical evidence are not sufficient to establish a definitive association between this variant and the reported condition. Therefore, this variant is classified as a variant of uncertain significance.

NM_015046.7(SETX):c.4732G>T (p.Val1578Leu)

Gene: SETX (senataxin; minus strand). Cytogenetic location: 9q34.13.
Variant type: single nucleotide variant.
Coding change: c.4732G>T on transcript NM_015046.7 (MANE Select); coding-DNA position 4732, G replaced by T.
Protein change: p.Val1578Leu; replaces valine 1578 with leucine.
Molecular consequence: missense variant.
Genome position (GRCh38, 1-based): chr9:132,326,866, C>A on the plus strand (G>T on the coding strand, the complement: SETX is on the minus strand). VCF-style: chr9-132326866-C-A. GRCh37 (hg19) VCF-style: chr9-135202253-C-A.
Other names: c.4732G>T, p.Val1578Leu (NM_001351527.2, NM_001351528.2); short protein forms V1578L.
Identifiers: ClinVar variation 4881525 (VCV004881525.2).
Genomic context (GRCh38, chr9:132,326,866, plus strand): 5'-TCTTAGTGGTAGGTCTCAAAGGTTTAGATGCAGGAGGAGGCAAGCCAGGTTTACGAAATA[C>A]ATCTTCATCTGCTGCTTTCACTTCAGAGTGTTTTGGGCAGTATTCACCCTGGTTTTTTGT-3'
Protein context (NP_055861.3, residues 1568-1588): HSEVKAADED[Val1578Leu]FRKPGLPPPA